The following is an entry in ClinVar:

NM_001457.4(FLNB):c.6619G>A (p.Glu2207Lys)

Gene: FLNB (filamin B; plus strand). Cytogenetic location: 3p14.3.
Variant type: single nucleotide variant.
Coding change: c.6619G>A on transcript NM_001457.4 (MANE Select); coding-DNA position 6619, G replaced by A.
Protein change: p.Glu2207Lys; replaces glutamic acid 2207 with lysine.
Molecular consequence: missense variant.
Genome position (GRCh38, 1-based): chr3:58,153,626, G>A. VCF-style: chr3-58153626-G-A. GRCh37 (hg19) VCF-style: chr3-58139353-G-A.
Other names: c.6712G>A, p.Glu2238Lys (NM_001164317.2); c.6586G>A, p.Glu2196Lys (NM_001164318.2); c.6547G>A, p.Glu2183Lys (NM_001164319.2); short protein forms E2183K, E2196K, E2238K, E2207K.
Identifiers: ClinVar variation 2884527 (VCV002884527.3), dbSNP rs1400340006, ClinGen allele CA353359797.
Genomic context (GRCh38, chr3:58,153,626, plus strand): 5'-CCACTTGGTGAAGGAGGCGCCCACAAGGTGCGGGCAGGAGGCCCTGGCCTGGAGAGAGGA[G>A]AAGCGGGAGTCCCAGGTGAGCATTGCGGGCAGGATTTTCACTTGGGAAGAATAGAGTTGA-3'
Protein context (NP_001448.2, residues 2197-2217): RAGGPGLERG[Glu2207Lys]AGVPAEFSIW

ClinVar aggregate classification (germline): Uncertain significance (1 of 4 stars; one submission).

Allele frequency attached by ClinVar (database versions not stated): gnomAD exomes 0.00001.
gnomAD v4.1: 19 of 1,614,138 alleles (0.0012%); highest among the groups gnomAD compares: Non-Finnish European, 0.0016%; no homozygotes.

Submission:

Labcorp Genetics (formerly Invitae), Labcorp
Classification: Uncertain significance. Last evaluated: 2024-01-29. Review status: criteria provided, single submitter. Criteria: Invitae Variant Classification Sherloc (09022015). Collection method: clinical testing. Allele origin: germline.
Comment: This sequence change replaces glutamic acid, which is acidic and polar, with lysine, which is basic and polar, at codon 2207 of the FLNB protein (p.Glu2207Lys). This variant is present in population databases (no rsID available, gnomAD 0.0009%). This variant has not been reported in the literature in individuals affected with FLNB-related conditions. Advanced modeling of protein sequence and biophysical properties (such as structural, functional, and spatial information, amino acid conservation, physicochemical variation, residue mobility, and thermodynamic stability) performed at Invitae indicates that this missense variant is not expected to disrupt FLNB protein function with a negative predictive value of 95%. In summary, the available evidence is currently insufficient to determine the role of this variant in disease. Therefore, it has been classified as a Variant of Uncertain Significance.